The following is an entry in ClinVar:

ClinVar aggregate classification (germline): Uncertain significance (1 of 4 stars; one submission).

Conditions:
Cone-rod dystrophy 13 (CORD13). Identifiers: Orphanet 1872, MedGen C2750720, MONDO:0011987, OMIM 608194.
Leber congenital amaurosis 6 (LCA6). Identifiers: Orphanet 65, MedGen C1854260, MONDO:0013446, OMIM 613826.

gnomAD v4.1: 2 of 1,560,928 alleles (0.00013%); no homozygotes.

Submission:

Labcorp Genetics (formerly Invitae), Labcorp
Classification: Uncertain significance for Leber congenital amaurosis 6; Cone-rod dystrophy 13. Last evaluated: 2021-11-27. Review status: criteria provided, single submitter. Criteria: Invitae Variant Classification Sherloc (09022015). Collection method: clinical testing. Allele origin: germline.
Comment: Algorithms developed to predict the effect of missense changes on protein structure and function (SIFT, PolyPhen-2, Align-GVGD) all suggest that this variant is likely to be tolerated. In summary, the available evidence is currently insufficient to determine the role of this variant in disease. Therefore, it has been classified as a Variant of Uncertain Significance. This variant has not been reported in the literature in individuals affected with RPGRIP1-related conditions. This variant is not present in population databases (gnomAD no frequency). This sequence change replaces asparagine, which is neutral and polar, with threonine, which is neutral and polar, at codon 1036 of the RPGRIP1 protein (p.Asn1036Thr).

NM_020366.4(RPGRIP1):c.3107A>C (p.Asn1036Thr)

Gene: RPGRIP1 (RPGR interacting protein 1; plus strand). Cytogenetic location: 14q11.2.
Variant type: single nucleotide variant.
Coding change: c.3107A>C on transcript NM_020366.4 (MANE Select); coding-DNA position 3107, A replaced by C.
Protein change: p.Asn1036Thr; replaces asparagine 1036 with threonine.
Molecular consequence: missense variant.
Genome position (GRCh38, 1-based): chr14:21,330,256, A>C. VCF-style: chr14-21330256-A-C. GRCh37 (hg19) VCF-style: chr14-21798415-A-C.
Other names: c.1085A>C, p.Asn362Thr (NM_001377523.1); c.2033A>C, p.Asn678Thr (NM_001377948.1); c.1193A>C, p.Asn398Thr (NM_001377949.1); c.1082A>C, p.Asn361Thr (NM_001377950.1); c.587A>C, p.Asn196Thr (NM_001377951.1); short protein forms N362T, N196T, N678T, N398T, N1036T, N361T.
Identifiers: ClinVar variation 1496075 (VCV001496075.6), dbSNP rs2139263302, ClinGen allele CA388872080.